The following is an entry in ClinVar:

ClinVar aggregate classification (germline): Uncertain significance (1 of 4 stars; one submission).

Allele frequency attached by ClinVar (database versions not stated): TOPMed 0.00002; ExAC 0.00019.

Submission:

Labcorp Genetics (formerly Invitae), Labcorp
Classification: Uncertain significance. Last evaluated: 2023-01-20. Review status: criteria provided, single submitter. Criteria: Invitae Variant Classification Sherloc (09022015). Collection method: clinical testing. Allele origin: germline.
Comment: Algorithms developed to predict the effect of missense changes on protein structure and function are either unavailable or do not agree on the potential impact of this missense change (SIFT: "Deleterious"; PolyPhen-2: "Probably Damaging"; Align-GVGD: "Class C0"). This sequence change replaces arginine, which is basic and polar, with cysteine, which is neutral and slightly polar, at codon 2072 of the OTOG protein (p.Arg2072Cys). This variant is present in population databases (rs751264608, gnomAD 0.02%). This variant has not been reported in the literature in individuals affected with OTOG-related conditions. Algorithms developed to predict the effect of sequence changes on RNA splicing suggest that this variant may disrupt the consensus splice site. In summary, the available evidence is currently insufficient to determine the role of this variant in disease. Therefore, it has been classified as a Variant of Uncertain Significance.

NM_001292063.2(OTOG):c.6178C>T (p.Arg2060Cys)

Gene: OTOG (otogelin; plus strand). Cytogenetic location: 11p15.1.
Variant type: single nucleotide variant.
Coding change: c.6178C>T on transcript NM_001292063.2 (MANE Select); coding-DNA position 6178, C replaced by T.
Protein change: p.Arg2060Cys; replaces arginine 2060 with cysteine.
Molecular consequence: missense variant.
Genome position (GRCh38, 1-based): chr11:17,612,216, C>T. VCF-style: chr11-17612216-C-T. GRCh37 (hg19) VCF-style: chr11-17633763-C-T.
Other names: c.6214C>T, p.Arg2072Cys (NM_001277269.2); short protein forms R2060C, R2072C.
Identifiers: ClinVar variation 2896431 (VCV002896431.3), dbSNP rs751264608, ClinGen allele CA5905999.